The following is an entry in ClinVar:

ClinVar aggregate classification (germline): Uncertain significance (1 of 4 stars; one submission).

Conditions:
Hereditary cancer-predisposing syndrome. Also called: Neoplastic Syndromes, Hereditary; Tumor predisposition; Hereditary neoplastic syndrome; Hereditary Cancer Syndrome. Identifiers: Orphanet 140162, MedGen C0027672, MeSH D009386, MONDO:0015356.

Submission:

Ambry Genetics
Classification: Uncertain significance for Hereditary cancer-predisposing syndrome. Last evaluated: 2022-12-02. Review status: criteria provided, single submitter. Criteria: Ambry Variant Classification Scheme 2023. Collection method: clinical testing. Allele origin: germline.
Comment: The p.Q179H variant (also known as c.537G>T), located in coding exon 3 of the SMARCA4 gene, results from a G to T substitution at nucleotide position 537. The glutamine at codon 179 is replaced by histidine, an amino acid with highly similar properties. This amino acid position is highly conserved in available vertebrate species. In addition, the in silico prediction for this alteration is inconclusive. Missense and in-frame variants in SMARCA4 are known to cause neurodevelopmental disorders; however, such associations with rhabdoid tumor predisposition syndrome including small cell carcinoma of the ovary-hypercalcemic type (SCCOHT) are exceedingly rare (Kosho T et al. Am J Med Genet C Semin Med Genet. 2014 Sep;166C(3):262-75; Jelinic P et al. Nat Genet. 2014 May;46(5):424-6). Since supporting evidence is limited at this time, the clinical significance of this alteration remains unclear.

NM_003072.5(SMARCA4):c.537G>T (p.Gln179His)

Gene: SMARCA4 (SWI/SNF related BAF chromatin remodeling complex subunit ATPase 4; plus strand). Cytogenetic location: 19p13.2.
Variant type: single nucleotide variant.
Coding change: c.537G>T on transcript NM_003072.5 (MANE Select); coding-DNA position 537, G replaced by T.
Protein change: p.Gln179His; replaces glutamine 179 with histidine.
Molecular consequence: missense variant. On other transcripts: non-coding transcript variant (1).
Genome position (GRCh38, 1-based): chr19:10,986,370, G>T. VCF-style: chr19-10986370-G-T. GRCh37 (hg19) VCF-style: chr19-11097046-G-T.
Other names: c.537G>T, p.Gln179His (NM_001128844.3, NM_001128845.2, NM_001128846.2 and 6 more transcripts); short protein forms Q179H.
Identifiers: ClinVar variation 2452845 (VCV002452845.2), dbSNP rs1331896481, ClinGen allele CA404056299.